The following is an entry in ClinVar:

NM_000152.5(GAA):c.2481+31del

Gene: GAA (alpha glucosidase; plus strand). Cytogenetic location: 17q25.3.
Variant type: Deletion.
Coding change: c.2481+31del on transcript NM_000152.5 (MANE Select); 31 bases into the intron after coding-DNA position 2481, one base deleted (G; older notation c.2481+31delG).
Molecular consequence: intron variant.
Genome position (GRCh38, 1-based): chr17:80,117,780, G deleted. VCF-style (leftmost placement, unchanged base first): chr17-80117779-TG-T. GRCh37 (hg19) VCF-style: chr17-78091578-TG-T.
Other names: c.2481+31del (NM_001406741.1, NM_001406742.1, NM_001079803.3 and 1 more transcripts).
Identifiers: ClinVar variation 4876387 (VCV004876387.1).
Genomic context (GRCh38, chr17:80,117,779, plus strand): 5'-CCTCCGGGCTGGGTACATCATCCCCCTGCAGGTACCTGGGCCAGGCGGCTATGGTGGGGG[TG>T]TGGACAGCACACTGCAGAGCTGGGGGAGGCACAGGGAGATGGTGGGGGAGAGGCCCAGGT-3'

ClinVar aggregate classification (germline): Likely benign (1 of 4 stars; one submission).

Conditions:
Glycogen storage disease, type II (IOPD). Also called: Pompe Disease; CARDIOMEGALIA GLYCOGENICA DIFFUSA; GLYCOGENOSIS, GENERALIZED, CARDIAC FORM; GSD II; POMPE DISEASE, INFANTILE-ONSET; GLYCOGEN STORAGE DISEASE II, INFANTILE-ONSET. Identifiers: Orphanet 365, MedGen C0017921, MONDO:0009290, OMIM 232300.

Submission:

Genomenon, Inc
Classification: Likely benign for Glycogen storage disease, type II. Last evaluated: 2026-07-01. Review status: criteria provided, single submitter. Criteria: Genomenon Sequence Variant Interpretation Standards - Updated. Collection method: curation. Allele origin: germline. Affected: yes.
Comment: GAA c.2481+31del is a deletion variant located in intron 17. This variant has been observed in at least one proband with a GAA-related disorder (PMID:33073009). It is absent or not present at a significant frequency in gnomAD. This variant is not predicted to impact splicing. In conclusion, we classify GAA c.2481+31del as a likely benign variant.

Literature cited by the submitters: PubMed 33073009.